The following is an entry in ClinVar:

ClinVar aggregate classification (germline): Uncertain significance (1 of 4 stars; one submission).

gnomAD v4.1: 3 of 1,614,084 alleles (0.00019%); highest among the groups gnomAD compares: Non-Finnish European, 0.00025%; no homozygotes.

Submission:

Labcorp Genetics (formerly Invitae), Labcorp
Classification: Uncertain significance. Last evaluated: 2024-07-20. Review status: criteria provided, single submitter. Criteria: Invitae Variant Classification Sherloc (09022015). Collection method: clinical testing. Allele origin: germline.
Comment: This sequence change replaces leucine, which is neutral and non-polar, with valine, which is neutral and non-polar, at codon 138 of the CLCN6 protein (p.Leu138Val). This variant is not present in population databases (gnomAD no frequency). This variant has not been reported in the literature in individuals affected with CLCN6-related conditions. An algorithm developed to predict the effect of missense changes on protein structure and function (PolyPhen-2) suggests that this variant is likely to be tolerated. In summary, the available evidence is currently insufficient to determine the role of this variant in disease. Therefore, it has been classified as a Variant of Uncertain Significance.

NM_001286.5(CLCN6):c.412C>G (p.Leu138Val)

Gene: CLCN6 (chloride voltage-gated channel 6; plus strand). Cytogenetic location: 1p36.22.
Variant type: single nucleotide variant.
Coding change: c.412C>G on transcript NM_001286.5 (MANE Select); coding-DNA position 412, C replaced by G.
Protein change: p.Leu138Val; replaces leucine 138 with valine.
Molecular consequence: missense variant. On other transcripts: non-coding transcript variant (1).
Genome position (GRCh38, 1-based): chr1:11,822,760, C>G. VCF-style: chr1-11822760-C-G. GRCh37 (hg19) VCF-style: chr1-11882817-C-G.
Other names: c.346C>G, p.Leu116Val (NM_001256959.2); short protein forms L138V, L116V.
Identifiers: ClinVar variation 3673597 (VCV003673597.2).